The following is an entry in ClinVar:

ClinVar aggregate classification (germline): Uncertain significance (1 of 4 stars; one submission).

gnomAD v4.1: 8 of 1,613,496 alleles (0.0005%); highest among the groups gnomAD compares: South Asian, 0.0011%; no homozygotes.

Submission:

Labcorp Genetics (formerly Invitae), Labcorp
Classification: Uncertain significance. Last evaluated: 2024-01-10. Review status: criteria provided, single submitter. Criteria: Invitae Variant Classification Sherloc (09022015). Collection method: clinical testing. Allele origin: germline.
Comment: This sequence change replaces glycine, which is neutral and non-polar, with serine, which is neutral and polar, at codon 437 of the UNC45A protein (p.Gly437Ser). This variant is present in population databases (rs146513919, gnomAD 0.006%). This variant has not been reported in the literature in individuals affected with UNC45A-related conditions. Advanced modeling of protein sequence and biophysical properties (such as structural, functional, and spatial information, amino acid conservation, physicochemical variation, residue mobility, and thermodynamic stability) performed at Invitae indicates that this missense variant is expected to disrupt UNC45A protein function with a positive predictive value of 80%. In summary, the available evidence is currently insufficient to determine the role of this variant in disease. Therefore, it has been classified as a Variant of Uncertain Significance.

NM_018671.5(UNC45A):c.1309G>A (p.Gly437Ser)

Gene: UNC45A (unc-45 myosin chaperone A; plus strand). Cytogenetic location: 15q26.1.
Variant type: single nucleotide variant.
Coding change: c.1309G>A on transcript NM_018671.5 (MANE Select); coding-DNA position 1309, G replaced by A.
Protein change: p.Gly437Ser; replaces glycine 437 with serine.
Molecular consequence: missense variant.
Genome position (GRCh38, 1-based): chr15:90,946,723, G>A. VCF-style: chr15-90946723-G-A. GRCh37 (hg19) VCF-style: chr15-91489953-G-A.
Other names: c.1264G>A, p.Gly422Ser (NM_001039675.2, NM_001323621.2); c.1309G>A, p.Gly437Ser (NM_001323619.1); c.874G>A, p.Gly292Ser (NM_001323620.2); short protein forms G292S, G437S, G422S.
Identifiers: ClinVar variation 2979524 (VCV002979524.1), dbSNP rs146513919, ClinGen allele CA7742864.
Genomic context (GRCh38, chr15:90,946,723, plus strand): 5'-ACGGTGTCCTGCCTCCTGCAGGGCCCATGTGACGCTGGCAACCGGGCCTTGGAGCTGAGC[G>A]GTGTCATGGAGAGTGTGATTGCTCTGTGTGCCTCTGAGCAGGAGGAGGAGCAGCTGGTGG-3'
Protein context (NP_061141.2, residues 427-447): DAGNRALELS[Gly437Ser]VMESVIALCA